The following is an entry in ClinVar:

ClinVar aggregate classification (germline): Benign/Likely benign. Review status: criteria provided, multiple submitters, no conflicts (2 of 4 stars). 4 submissions from 4 submitters: Benign (1); Likely benign (3). Last evaluated 2026-01-26.

Conditions:
Epileptic encephalopathy. Identifiers: MedGen C0543888, HP:0200134.

Allele frequency attached by ClinVar (database versions not stated): ESP Exome Variant Server 0.00015; 1000 Genomes Project 0.00020; gnomAD 0.00026 and 0.00027; 1000 Genomes Project 30x 0.00031; gnomAD exomes 0.00037 and 0.00041; TOPMed 0.00037; ExAC 0.00040.
gnomAD v4.1: 613 of 1,526,300 alleles (0.04%); highest among the groups gnomAD compares: Middle Eastern, 0.25%; 2 homozygotes.

Submissions (4):

Labcorp Genetics (formerly Invitae), Labcorp
Classification: Likely benign for Epileptic encephalopathy. Last evaluated: 2026-01-26. Review status: criteria provided, single submitter. Criteria: Invitae Variant Classification Sherloc (09022015). Collection method: clinical testing. Allele origin: germline.

CeGaT Center for Human Genetics Tuebingen
Classification: Likely benign. Last evaluated: 2025-08-01. Review status: criteria provided, single submitter. Criteria: CeGaT Center For Human Genetics Tuebingen Variant Classification Criteria Version 2. Collection method: clinical testing. Allele origin: germline. Affected: yes. Observed: 4 variant alleles.
Comment: GABBR2: BP4, BP7

Blueprint Genetics
Classification: Likely benign. Last evaluated: 2024-10-24. Review status: criteria provided, single submitter. Criteria: ACMG Guidelines, 2015. Collection method: clinical testing. Allele origin: germline.

GeneDx
Classification: Benign. Last evaluated: 2019-11-01. Review status: criteria provided, single submitter. Criteria: GeneDx Variant Classification Process June 2021. Collection method: clinical testing. Allele origin: germline. Affected: yes.

NM_005458.8(GABBR2):c.1767G>A (p.Lys589=)

Gene: GABBR2 (gamma-aminobutyric acid type B receptor subunit 2; minus strand). Cytogenetic location: 9q22.33.
Variant type: single nucleotide variant.
Coding change: c.1767G>A on transcript NM_005458.8 (MANE Select); coding-DNA position 1767, G replaced by A.
Protein change: p.Lys589=; no amino-acid change (lysine 589 retained).
Molecular consequence: synonymous variant.
Genome position (GRCh38, 1-based): chr9:98,371,467, C>T on the plus strand (G>A on the coding strand, the complement: GABBR2 is on the minus strand). VCF-style: chr9-98371467-C-T. GRCh37 (hg19) VCF-style: chr9-101133749-C-T.
Identifiers: ClinVar variation 462127 (VCV000462127.37), dbSNP rs150053493, ClinGen allele CA5152643.